The following is an entry in ClinVar:

NM_020812.4(DOCK6):c.4195_4196insGA (p.Ile1399fs)

Genes: DOCK6 (dedicator of cytokinesis 6; minus strand), DOCK6-AS1 (DOCK6 antisense RNA 1; plus strand). Cytogenetic location: 19p13.2.
Variant type: Insertion.
Coding change: c.4195_4196insGA on transcript NM_020812.4 (MANE Select); coding-DNA positions 4195 to 4196, GA inserted.
Protein change: p.Ile1399fs; shifts the reading frame from isoleucine 1399.
Molecular consequence: frameshift variant.
Genome position: GRCh38 VCF-style: chr19-11214560-A-ATC. GRCh37 (hg19) VCF-style: chr19-11325236-A-ATC.
Other names: c.4300_4301insGA, p.Ile1434fs (NM_001367830.1); short protein forms I1434fs, I1399fs.
Identifiers: ClinVar variation 5005916 (VCV005005916.2).

ClinVar aggregate classification (germline): Likely pathogenic (1 of 4 stars; one submission).

Conditions:
Adams-Oliver syndrome 2 (AOS2). Identifiers: Orphanet 974, MedGen C3280182, MONDO:0013635, OMIM 614219.

Submission:

Juno Genomics, Hangzhou Juno Genomics, Inc
Classification: Likely pathogenic for Adams-Oliver syndrome 2. Review status: criteria provided, single submitter. Criteria: ACMG Guidelines, 2015. Collection method: clinical testing. Allele origin: germline.
Comment: Null variant in a gene where loss of function (LOF) is a known mechanism of disease.;Absent from controls (or at extremely low frequency if recessive) in Genome Aggregation Database.